The following is an entry in ClinVar:

NM_032119.4(ADGRV1):c.3266del (p.Tyr1089fs)

Gene: ADGRV1 (adhesion G protein-coupled receptor V1; plus strand). Cytogenetic location: 5q14.3.
Variant type: Deletion.
Coding change: c.3266del on transcript NM_032119.4 (MANE Select); coding-DNA position 3266, one base deleted (A; older notation c.3266delA).
Protein change: p.Tyr1089fs; shifts the reading frame from tyrosine 1089.
Molecular consequence: frameshift variant. On other transcripts: non-coding transcript variant (1).
Genome position (GRCh38, 1-based): chr5:90,647,741, A deleted. VCF-style (leftmost placement, unchanged base first): chr5-90647740-TA-T. GRCh37 (hg19) VCF-style: chr5-89943557-TA-T.
Other names: short protein forms Y1089fs.
Identifiers: ClinVar variation 2865842 (VCV002865842.3), dbSNP rs2532032921, ClinGen allele CA2739274872.
Genomic context (GRCh38, chr5:90,647,740, plus strand): 5'-CAGCAGAGCATATCCATATTTGTTAATGAAGATGGTATCCCGGAAACAGATGAGCCCTTT[TA>T]TATAATCCTCTTGAATTCAACAGGTAAGTAAATTATGCTTTTTTATGGCAGATCTGCCTC-3'

ClinVar aggregate classification (germline): Pathogenic (1 of 4 stars; one submission).

Submission:

Labcorp Genetics (formerly Invitae), Labcorp
Classification: Pathogenic. Last evaluated: 2023-05-19. Review status: criteria provided, single submitter. Criteria: Invitae Variant Classification Sherloc (09022015). Collection method: clinical testing. Allele origin: germline.
Comment: For these reasons, this variant has been classified as Pathogenic. This variant has not been reported in the literature in individuals affected with ADGRV1-related conditions. This variant is not present in population databases (gnomAD no frequency). This sequence change creates a premature translational stop signal (p.Tyr1089Leufs*2) in the ADGRV1 gene. It is expected to result in an absent or disrupted protein product. Loss-of-function variants in ADGRV1 are known to be pathogenic (PMID: 19357117, 22135276, 22147658, 26226137, 30718709, 31047384, 32467589).

Literature cited by the submitters: PubMed 19357117; PubMed 22135276; PubMed 22147658; PubMed 26226137; PubMed 30718709; PubMed 31047384; PubMed 32467589.